The following is an entry in ClinVar:

NM_000245.4(MET):c.1286T>C (p.Leu429Ser)

Gene: MET (MET proto-oncogene, receptor tyrosine kinase; plus strand). Cytogenetic location: 7q31.2.
Variant type: single nucleotide variant.
Coding change: c.1286T>C on transcript NM_000245.4 (MANE Select); coding-DNA position 1286, T replaced by C.
Protein change: p.Leu429Ser; replaces leucine 429 with serine.
Molecular consequence: missense variant. On other transcripts: 5 prime UTR variant (1).
Genome position (GRCh38, 1-based): chr7:116,731,753, T>C. VCF-style: chr7-116731753-T-C. GRCh37 (hg19) VCF-style: chr7-116371807-T-C.
Other names: c.1286T>C, p.Leu429Ser (NM_001127500.3, NM_001324401.3); c.-5T>C (NM_001324402.2); short protein forms L429S.
Identifiers: ClinVar variation 2202195 (VCV002202195.7), dbSNP rs761043122, ClinGen allele CA4448128.

ClinVar aggregate classification (germline): Conflicting classifications of pathogenicity. Review status: criteria provided, conflicting classifications (1 of 4 stars). 3 submissions from 3 submitters: Uncertain significance (2); Likely benign (1). Last evaluated 2025-11-23.

Conditions:
Renal cell carcinoma. Identifiers: Orphanet 217071, MedGen C0007134, MeSH D002292, MONDO:0005086, HP:0005584.
Hereditary cancer-predisposing syndrome. Also called: Tumor predisposition; Hereditary neoplastic syndrome; Neoplastic Syndromes, Hereditary; Hereditary Cancer Syndrome. Identifiers: Orphanet 140162, MedGen C0027672, MeSH D009386, MONDO:0015356.

Allele frequency attached by ClinVar (database versions not stated): gnomAD exomes 0.00001; ExAC 0.00002.
gnomAD v4.1: 3 of 1,614,110 alleles (0.00019%); highest among the groups gnomAD compares: Admixed American, 0.005%; no homozygotes.

Submissions (3):

Labcorp Genetics (formerly Invitae), Labcorp
Classification: Uncertain significance for Renal cell carcinoma. Last evaluated: 2025-11-23. Review status: criteria provided, single submitter. Criteria: Invitae Variant Classification Sherloc (09022015). Collection method: clinical testing. Allele origin: germline.
Comment: This sequence change replaces leucine, which is neutral and non-polar, with serine, which is neutral and polar, at codon 429 of the MET protein (p.Leu429Ser). This variant is present in population databases (rs761043122, gnomAD 0.009%). This variant has not been reported in the literature in individuals affected with MET-related conditions. ClinVar contains an entry for this variant (Variation ID: 2202195). Invitae Evidence Modeling of protein sequence and biophysical properties (such as structural, functional, and spatial information, amino acid conservation, physicochemical variation, residue mobility, and thermodynamic stability) indicates that this missense variant is expected to disrupt MET protein function with a positive predictive value of 80%. In summary, the available evidence is currently insufficient to determine the role of this variant in disease. Therefore, it has been classified as a Variant of Uncertain Significance.

Ambry Genetics
Classification: Likely benign for Hereditary cancer-predisposing syndrome. Last evaluated: 2023-08-16. Review status: criteria provided, single submitter. Criteria: Ambry Variant Classification Scheme 2023. Collection method: clinical testing. Allele origin: germline.

GeneDx
Classification: Uncertain significance. Last evaluated: 2023-03-06. Review status: criteria provided, single submitter. Criteria: GeneDx Variant Classification Process June 2021. Collection method: clinical testing. Allele origin: germline. Affected: yes.
Comment: Not observed at significant frequency in large population cohorts (gnomAD); In silico analysis supports that this missense variant has a deleterious effect on protein structure/function; Has not been previously published as pathogenic or benign to our knowledge